The following is an entry in ClinVar:

ClinVar aggregate classification (germline): Uncertain significance (1 of 4 stars; one submission).

Conditions:
Inborn genetic diseases. Identifiers: MedGen C0950123, MeSH D030342.

gnomAD v4.1: 58 of 734,746 alleles (0.0079%); highest among the groups gnomAD compares: Admixed American, 0.35%; no homozygotes.

Submission:

Ambry Genetics
Classification: Uncertain significance for Inborn genetic diseases. Last evaluated: 2025-04-24. Review status: criteria provided, single submitter. Criteria: Ambry Variant Classification Scheme 2023. Collection method: clinical testing. Allele origin: germline.
Comment: The c.62C>T (p.A21V) alteration is located in exon (coding exon ) of the HSPG2 gene. This alteration results from a C to T substitution at nucleotide position 62, causing the alanine (A) at amino acid position 21 to be replaced by a valine (V). Based on insufficient or conflicting evidence, the clinical significance of this alteration remains unclear.

NM_005529.7(HSPG2):c.62C>T (p.Ala21Val)

Gene: HSPG2 (heparan sulfate proteoglycan 2; minus strand). Cytogenetic location: 1p36.12.
Variant type: single nucleotide variant.
Coding change: c.62C>T on transcript NM_005529.7 (MANE Select); coding-DNA position 62, C replaced by T.
Protein change: p.Ala21Val; replaces alanine 21 with valine.
Molecular consequence: missense variant.
Genome position (GRCh38, 1-based): chr1:21,937,156, G>A on the plus strand (C>T on the coding strand, the complement: HSPG2 is on the minus strand). VCF-style: chr1-21937156-G-A. GRCh37 (hg19) VCF-style: chr1-22263649-G-A.
Other names: c.62C>T, p.Ala21Val (NM_001291860.2); short protein forms A21V.
Identifiers: ClinVar variation 4036705 (VCV004036705.1).